The following is an entry in ClinVar:

NM_001267550.2(TTN):c.91113G>A (p.Trp30371Ter)

Genes: TTN (titin; minus strand), TTN-AS1 (TTN antisense RNA 1; plus strand). Cytogenetic location: 2q31.2.
Variant type: single nucleotide variant.
Coding change: c.91113G>A on transcript NM_001267550.2 (MANE Select); coding-DNA position 91113, G replaced by A.
Protein change: p.Trp30371Ter; replaces tryptophan 30371 with a stop codon.
Molecular consequence: nonsense.
Genome position (GRCh38, 1-based): chr2:178,551,787, C>T on the plus strand (G>A on the coding strand, the complement: TTN is on the minus strand). VCF-style: chr2-178551787-C-T. GRCh37 (hg19) VCF-style: chr2-179416514-C-T.
Other names: c.86190G>A, p.Trp28730Ter (NM_001256850.1); c.63918G>A, p.Trp21306Ter (NM_003319.4); c.83409G>A, p.Trp27803Ter (NM_133378.4); c.64293G>A, p.Trp21431Ter (NM_133432.3); c.64494G>A, p.Trp21498Ter (NM_133437.4); short protein forms W21306*, W30371*, W21431*, W21498*, W27803*, W28730*.
Identifiers: ClinVar variation 519182 (VCV000519182.5), dbSNP rs1553538469, ClinGen allele CA349503675.

ClinVar aggregate classification (germline): Likely pathogenic (1 of 4 stars; one submission).

Conditions:
Cardiovascular phenotype. Identifiers: MedGen CN230736.

Submission:

Ambry Genetics
Classification: Likely pathogenic for Cardiovascular phenotype. Last evaluated: 2017-09-11. Review status: criteria provided, single submitter. Criteria: Ambry Variant Classification Scheme 2023. Collection method: clinical testing. Allele origin: germline.
Comment: The p.W21306* variant (also known as c.63918G>A), located in coding exon 162 of the TTN gene, results from a G to A substitution at nucleotide position 63918. This changes the amino acid from a tryptophan to a stop codon within coding exon 162. This exon is located in the A-band region of the N2-B isoform of the titin protein and is constitutively expressed in TTN transcripts (percent spliced in or PSI 100%). While truncating variants in TTN are present in 1-3% of the general population, truncating variants in the A-band are the most common cause of dilated cardiomyopathy (DCM) (Herman DS et al. N. Engl. J. Med. 2012 Feb;366:619-28; Roberts AM et al. Sci Transl Med. 2015 Jan;7:270ra6). TTN truncating variants encoded in constitutive exons (PSI >90%) have been found to be significantly associated with DCM regardless of their position in titin (Schafer S et al. Nat. Genet. 2017 Jan;49:46-53). This alteration is expected to result in loss of function by premature protein truncation or nonsense-mediated mRNA decay. As such, this alteration is classified as likely pathogenic.